The following is an entry in ClinVar:

ClinVar aggregate classification (germline): Uncertain significance (1 of 4 stars; one submission).

Submission:

Labcorp Genetics (formerly Invitae), Labcorp
Classification: Uncertain significance. Last evaluated: 2023-02-11. Review status: criteria provided, single submitter. Criteria: Invitae Variant Classification Sherloc (09022015). Collection method: clinical testing. Allele origin: germline.
Comment: This sequence change replaces valine, which is neutral and non-polar, with isoleucine, which is neutral and non-polar, at codon 60 of the KLHL7 protein (p.Val60Ile). This variant is not present in population databases (gnomAD no frequency). This variant has not been reported in the literature in individuals affected with KLHL7-related conditions. Algorithms developed to predict the effect of missense changes on protein structure and function (SIFT, PolyPhen-2, Align-GVGD) all suggest that this variant is likely to be disruptive. In summary, the available evidence is currently insufficient to determine the role of this variant in disease. Therefore, it has been classified as a Variant of Uncertain Significance.

NM_001031710.3(KLHL7):c.178G>A (p.Val60Ile)

Gene: KLHL7 (kelch like family member 7; plus strand). Cytogenetic location: 7p15.3.
Variant type: single nucleotide variant.
Coding change: c.178G>A on transcript NM_001031710.3 (MANE Select); coding-DNA position 178, G replaced by A.
Protein change: p.Val60Ile; replaces valine 60 with isoleucine.
Molecular consequence: missense variant. On other transcripts: non-coding transcript variant (2).
Genome position (GRCh38, 1-based): chr7:23,123,834, G>A. VCF-style: chr7-23123834-G-A. GRCh37 (hg19) VCF-style: chr7-23163453-G-A.
Other names: c.178G>A, p.Val60Ile (NM_001172428.2); c.34G>A, p.Val12Ile (NM_018846.5); short protein forms V60I, V12I.
Identifiers: ClinVar variation 2836395 (VCV002836395.3), dbSNP rs2534805769, ClinGen allele CA366974662.